The following is an entry in ClinVar:

NM_182972.3(IRF2BP2):c.622C>A (p.Arg208Ser)

Genes: IRF2BP2 (interferon regulatory factor 2 binding protein 2; minus strand), LOC129932811 (ATAC-STARR-seq lymphoblastoid silent region 1976; plus strand). Cytogenetic location: 1q42.3.
Variant type: single nucleotide variant.
Coding change: c.622C>A on transcript NM_182972.3 (MANE Select); coding-DNA position 622, C replaced by A.
Protein change: p.Arg208Ser; replaces arginine 208 with serine.
Molecular consequence: missense variant.
Genome position (GRCh38, 1-based): chr1:234,608,873, G>T on the plus strand (C>A on the coding strand, the complement: IRF2BP2 is on the minus strand). VCF-style: chr1-234608873-G-T. GRCh37 (hg19) VCF-style: chr1-234744619-G-T.
Other names: c.622C>A, p.Arg208Ser (NM_001077397.1); short protein forms R208S.
Identifiers: ClinVar variation 2787028 (VCV002787028.3), dbSNP rs1335469075, ClinGen allele CA345309281.

ClinVar aggregate classification (germline): Uncertain significance (1 of 4 stars; one submission).

Allele frequency attached by ClinVar (database versions not stated): gnomAD 0.00001; TOPMed 0.00001.

Submission:

Labcorp Genetics (formerly Invitae), Labcorp
Classification: Uncertain significance. Last evaluated: 2023-08-11. Review status: criteria provided, single submitter. Criteria: Invitae Variant Classification Sherloc (09022015). Collection method: clinical testing. Allele origin: germline.
Comment: An algorithm developed to predict the effect of missense changes on protein structure and function (PolyPhen-2) suggests that this variant is likely to be disruptive. This variant has not been reported in the literature in individuals affected with IRF2BP2-related conditions. This variant is not present in population databases (gnomAD no frequency). This sequence change replaces arginine, which is basic and polar, with serine, which is neutral and polar, at codon 208 of the IRF2BP2 protein (p.Arg208Ser). In summary, the available evidence is currently insufficient to determine the role of this variant in disease. Therefore, it has been classified as a Variant of Uncertain Significance.